The following is an entry in ClinVar:

NM_016938.5(EFEMP2):c.1034A>G (p.His345Arg)

Gene: EFEMP2 (EGF containing fibulin extracellular matrix protein 2; minus strand). Cytogenetic location: 11q13.1.
Variant type: single nucleotide variant.
Coding change: c.1034A>G on transcript NM_016938.5 (MANE Select); coding-DNA position 1034, A replaced by G.
Protein change: p.His345Arg; replaces histidine 345 with arginine.
Molecular consequence: missense variant. On other transcripts: non-coding transcript variant (1).
Genome position (GRCh38, 1-based): chr11:65,867,997, T>C on the plus strand (A>G on the coding strand, the complement: EFEMP2 is on the minus strand). VCF-style: chr11-65867997-T-C. GRCh37 (hg19) VCF-style: chr11-65635468-T-C.
Other names: short protein forms H345R.
Identifiers: ClinVar variation 3274664 (VCV003274664.1).

ClinVar aggregate classification (germline): Uncertain significance (1 of 4 stars; one submission).

Conditions:
Cardiovascular phenotype. Identifiers: MedGen CN230736.

gnomAD v4.1: 1 of 1,613,904 alleles (0.000062%); highest among the groups gnomAD compares: African/African-American, 0.0013%; no homozygotes.

Submission:

Ambry Genetics
Classification: Uncertain significance for Cardiovascular phenotype. Last evaluated: 2024-06-07. Review status: criteria provided, single submitter. Criteria: Ambry Variant Classification Scheme 2023. Collection method: clinical testing. Allele origin: germline.
Comment: The p.H345R variant (also known as c.1034A>G), located in coding exon 9 of the EFEMP2 gene, results from an A to G substitution at nucleotide position 1034. The histidine at codon 345 is replaced by arginine, an amino acid with highly similar properties. This amino acid position is conserved. In addition, the in silico prediction for this alteration is inconclusive. Based on the available evidence, the clinical significance of this variant remains unclear.